The following is an entry in ClinVar:

NM_021267.5(CERS1):c.393A>G (p.Pro131=)

Genes: CERS1 (ceramide synthase 1; minus strand), GDF1 (growth differentiation factor 1; minus strand). Cytogenetic location: 19p13.11.
Variant type: single nucleotide variant.
Coding change: c.393A>G on transcript NM_021267.5 (MANE Select); coding-DNA position 393, A replaced by G.
Protein change: p.Pro131=; no amino-acid change (proline 131 retained).
Molecular consequence: synonymous variant. On other transcripts: 5 prime UTR variant (2).
Genome position (GRCh38, 1-based): chr19:18,893,432, T>C on the plus strand (A>G on the coding strand, the complement: CERS1 is on the minus strand). VCF-style: chr19-18893432-T-C. GRCh37 (hg19) VCF-style: chr19-19004241-T-C.
Other names: c.99A>G, p.Pro33= (NM_001290265.2, NM_001387442.1, NM_001387443.1 and 2 more transcripts); c.393A>G, p.Pro131= (NM_001387439.1, NM_001387440.1, NM_001387441.1 and 1 more transcripts); c.-510A>G (NM_001387438.1); c.-930A>G (NM_001492.6).
Identifiers: ClinVar variation 1147916 (VCV001147916.11), dbSNP rs577485199, ClinGen allele CA9318296.
Genomic context (GRCh38, chr19:18,893,432, plus strand): 5'-TGTTTTAAGCAGAGCCCTCCCGGCCATCCCCTCAGGGCCCCTACCGTAGAAGACAGATGG[T>C]GGGTCATGGAAGAAGGGGTAGTCGGTGCCAAACAGCAGGTAGGCACTGTAGCTCCAGCTG-3'
Protein context (NP_067090.1, residues 121-141): FGTDYPFFHD[Pro131=]PSVFYDWTPG

ClinVar aggregate classification (germline): Likely benign. Review status: criteria provided, single submitter (1 of 4 stars). 2 submissions from 2 submitters: Likely benign (1). 1 of the submissions does not count toward it. Last evaluated 2024-04-16.

Conditions:
CERS1-related disorder. Also called: CERS1-related condition.
Progressive myoclonic epilepsy type 8. Identifiers: Orphanet 424027, MedGen C5190825, MONDO:0014545, OMIM 616230.

Allele frequency attached by ClinVar (database versions not stated): gnomAD exomes 0.00020 and 0.00009; ExAC 0.00039; TOPMed 0.00001; gnomAD 0.00007; 1000 Genomes Project 30x 0.00078; 1000 Genomes Project 0.00100.
gnomAD v4.1: 150 of 1,604,394 alleles (0.0093%); highest among the groups gnomAD compares: South Asian, 0.15%; 1 homozygote.

Submissions (2):

Labcorp Genetics (formerly Invitae), Labcorp
Classification: Likely benign for Progressive myoclonic epilepsy type 8. Last evaluated: 2024-04-16. Review status: criteria provided, single submitter. Criteria: Invitae Variant Classification Sherloc (09022015). Collection method: clinical testing. Allele origin: germline.

PreventionGenetics, part of Exact Sciences
Classification: Likely benign for CERS1-related condition. Last evaluated: 2019-11-16. Review status: no assertion criteria provided. Collection method: clinical testing. Allele origin: germline. Not counted in ClinVar's aggregate classification.
Comment: This variant is classified as likely benign based on ACMG/AMP sequence variant interpretation guidelines (Richards et al. 2015 PMID: 25741868, with internal and published modifications).